The following is an entry in ClinVar:

ClinVar aggregate classification (germline): Uncertain significance (1 of 4 stars; one submission).

Allele frequency attached by ClinVar (database versions not stated): gnomAD exomes below 0.00001.
gnomAD v4.1: 3 of 1,610,354 alleles (0.00019%); highest among the groups gnomAD compares: Non-Finnish European, 0.00017%; no homozygotes.

Submission:

Labcorp Genetics (formerly Invitae), Labcorp
Classification: Uncertain significance. Last evaluated: 2024-09-21. Review status: criteria provided, single submitter. Criteria: Invitae Variant Classification Sherloc (09022015). Collection method: clinical testing. Allele origin: germline.
Comment: This sequence change replaces glutamine, which is neutral and polar, with lysine, which is basic and polar, at codon 183 of the LMNB1 protein (p.Gln183Lys). This variant is not present in population databases (gnomAD no frequency). This variant has not been reported in the literature in individuals affected with LMNB1-related conditions. ClinVar contains an entry for this variant (Variation ID: 1366809). Invitae Evidence Modeling of protein sequence and biophysical properties (such as structural, functional, and spatial information, amino acid conservation, physicochemical variation, residue mobility, and thermodynamic stability) indicates that this missense variant is not expected to disrupt LMNB1 protein function with a negative predictive value of 80%. In summary, the available evidence is currently insufficient to determine the role of this variant in disease. Therefore, it has been classified as a Variant of Uncertain Significance.

NM_005573.4(LMNB1):c.547C>A (p.Gln183Lys)

Gene: LMNB1 (lamin B1; plus strand). Cytogenetic location: 5q23.2.
Variant type: single nucleotide variant.
Coding change: c.547C>A on transcript NM_005573.4 (MANE Select); coding-DNA position 547, C replaced by A.
Protein change: p.Gln183Lys; replaces glutamine 183 with lysine.
Molecular consequence: missense variant. On other transcripts: 5 prime UTR variant (1), non-coding transcript variant (1).
Genome position (GRCh38, 1-based): chr5:126,805,601, C>A. VCF-style: chr5-126805601-C-A. GRCh37 (hg19) VCF-style: chr5-126141293-C-A.
Other names: c.-84C>A (NM_001198557.2); short protein forms Q183K.
Identifiers: ClinVar variation 1366809 (VCV001366809.8), dbSNP rs1751395478, ClinGen allele CA360718754.
Genomic context (GRCh38, chr5:126,805,601, plus strand): 5'-TTTTATCACAATTCTTTTTCCTTGTAATAGTTGGAAGCCTCCTTAGCTGCAGCCAAAAAA[C>A]AGTTAGCAGATGAAACTTTACTTAAAGTAGATTTGGAGAATCGTTGTCAGAGCCTTACTG-3'
Protein context (NP_005564.1, residues 173-193): LEASLAAAKK[Gln183Lys]LADETLLKVD